The following is an entry in ClinVar:

ClinVar aggregate classification (germline): Pathogenic (1 of 4 stars; one submission).

Conditions:
Hereditary cancer-predisposing syndrome. Also called: Neoplastic Syndromes, Hereditary; Tumor predisposition; Hereditary Cancer Syndrome; Hereditary neoplastic syndrome. Identifiers: Orphanet 140162, MedGen C0027672, MeSH D009386, MONDO:0015356.

Submission:

Ambry Genetics
Classification: Pathogenic for Hereditary cancer-predisposing syndrome. Last evaluated: 2021-01-07. Review status: criteria provided, single submitter. Criteria: Ambry Variant Classification Scheme 2023. Collection method: clinical testing. Allele origin: germline.
Comment: The c.2210dupA pathogenic mutation, located in coding exon 21 of the RB1 gene, results from a duplication of A at nucleotide position 2210, causing a translational frameshift with a predicted alternate stop codon (p.T738Dfs*13). This alteration is expected to result in loss of function by premature protein truncation or nonsense-mediated mRNA decay. As such, this alteration is interpreted as a disease-causing mutation.

NM_000321.3(RB1):c.2210dup (p.Thr738fs)

Gene: RB1 (RB transcriptional corepressor 1; plus strand). Cytogenetic location: 13q14.2.
Variant type: Duplication.
Coding change: c.2210dup on transcript NM_000321.3 (MANE Select); coding-DNA position 2210, one base duplicated (A; older notation c.2210dupA).
Protein change: p.Thr738fs; shifts the reading frame from threonine 738.
Molecular consequence: frameshift variant.
Genome position (GRCh38, 1-based): chr13:48,463,834, A duplicated. VCF-style (leftmost placement, unchanged base first): chr13-48463833-G-GA. GRCh37 (hg19) VCF-style: chr13-49037969-G-GA.
Other names: c.2210dup, p.Thr738Aspfs (NM_001407165.1); c.2210dupA (NM_000321.2); short protein forms T738fs.
Identifiers: ClinVar variation 1787765 (VCV001787765.2), dbSNP rs2542373809, ClinGen allele CA2580087580.